The following is an entry in ClinVar:

ClinVar aggregate classification (germline): Uncertain significance. Review status: criteria provided, multiple submitters, no conflicts (2 of 4 stars). 2 submissions from 2 submitters: Uncertain significance (2). Last evaluated 2024-11-24.

Conditions:
Inborn genetic diseases. Identifiers: MedGen C0950123, MeSH D030342.

Allele frequency attached by ClinVar (database versions not stated): gnomAD 0.00001; TOPMed 0.00002; gnomAD exomes 0.00003 and 0.00004; ExAC 0.00006.
gnomAD v4.1: 37 of 1,610,742 alleles (0.0023%); highest among the groups gnomAD compares: East Asian, 0.034%; no homozygotes.

Submissions (2):

Ambry Genetics
Classification: Uncertain significance for Inborn genetic diseases. Last evaluated: 2024-11-24. Review status: criteria provided, single submitter. Criteria: Ambry Variant Classification Scheme 2023. Collection method: clinical testing. Allele origin: germline.
Comment: The p.R255C variant (also known as c.763C>T), located in coding exon 4 of the ERCC6L2 gene, results from a C to T substitution at nucleotide position 763. The arginine at codon 255 is replaced by cysteine, an amino acid with highly dissimilar properties. This amino acid position is conserved. In addition, this alteration is predicted to be deleterious by in silico analysis. Based on the available evidence, the clinical significance of this variant remains unclear.

Labcorp Genetics (formerly Invitae), Labcorp
Classification: Uncertain significance. Last evaluated: 2024-04-03. Review status: criteria provided, single submitter. Criteria: Invitae Variant Classification Sherloc (09022015). Collection method: clinical testing. Allele origin: germline.
Comment: This sequence change replaces arginine, which is basic and polar, with cysteine, which is neutral and slightly polar, at codon 266 of the ERCC6L2 protein (p.Arg266Cys). This variant is present in population databases (rs201243110, gnomAD 0.03%). This variant has not been reported in the literature in individuals affected with ERCC6L2-related conditions. ClinVar contains an entry for this variant (Variation ID: 1025591). Experimental studies and prediction algorithms are not available or were not evaluated, and the functional significance of this variant is currently unknown. In summary, the available evidence is currently insufficient to determine the role of this variant in disease. Therefore, it has been classified as a Variant of Uncertain Significance.

NM_020207.7(ERCC6L2):c.763C>T (p.Arg255Cys)

Gene: ERCC6L2 (ERCC excision repair 6 like 2; plus strand). Cytogenetic location: 9q22.32.
Variant type: single nucleotide variant.
Coding change: c.763C>T on transcript NM_020207.7 (MANE Select); coding-DNA position 763, C replaced by T.
Protein change: p.Arg255Cys; replaces arginine 255 with cysteine.
Molecular consequence: missense variant. On other transcripts: non-coding transcript variant (1).
Genome position (GRCh38, 1-based): chr9:95,907,246, C>T. VCF-style: chr9-95907246-C-T. GRCh37 (hg19) VCF-style: chr9-98669528-C-T.
Other names: c.763C>T, p.Arg255Cys (NM_001010895.4, NM_001375291.1, NM_001375292.1 and 2 more transcripts); short protein forms R255C.
Identifiers: ClinVar variation 1025591 (VCV001025591.8), dbSNP rs201243110, ClinGen allele CA5139369.